The following is an entry in ClinVar:

NM_021098.3(CACNA1H):c.4448G>A (p.Arg1483His)

Gene: CACNA1H (calcium voltage-gated channel subunit alpha1 H; plus strand). Cytogenetic location: 16p13.3.
Variant type: single nucleotide variant.
Coding change: c.4448G>A on transcript NM_021098.3 (MANE Select); coding-DNA position 4448, G replaced by A.
Protein change: p.Arg1483His; replaces arginine 1483 with histidine.
Molecular consequence: missense variant.
Genome position (GRCh38, 1-based): chr16:1,211,578, G>A. VCF-style: chr16-1211578-G-A. GRCh37 (hg19) VCF-style: chr16-1261578-G-A.
Other names: c.4448G>A, p.Arg1483His (NM_001005407.2); short protein forms R1483H.
Identifiers: ClinVar variation 529564 (VCV000529564.12), dbSNP rs774455553, ClinGen allele CA7801336.

ClinVar aggregate classification (germline): Conflicting classifications of pathogenicity. Review status: criteria provided, conflicting classifications (1 of 4 stars). 4 submissions from 4 submitters: Uncertain significance (2); Benign (1). 1 of the submissions does not count toward it. Last evaluated 2025-04-10.

Conditions:
Idiopathic generalized epilepsy. Also called: Generalised epilepsy; EIG. Identifiers: MedGen C0270850, MONDO:0005579, OMIM 600669.
Hyperaldosteronism, familial, type IV (HALD4). Also called: FH IV; ALDOSTERONISM, PRIMARY, AND HYPERTENSION. Identifiers: Orphanet 642671, MedGen C4310756, MONDO:0014875, OMIM 617027.
CACNA1H-related disorder.
Epilepsy, childhood absence, susceptibility to, 6. Identifiers: Orphanet 64280, MedGen C2749872, MONDO:0012763, OMIM 611942.

Allele frequency attached by ClinVar (database versions not stated): ExAC 0.00003; gnomAD 0.00003 and 0.00004; gnomAD exomes 0.00003 and 0.00007; TOPMed 0.00004.
gnomAD v4.1: 57 of 1,610,198 alleles (0.0035%); highest among the groups gnomAD compares: Admixed American, 0.015%; no homozygotes.

Submissions (4):

Labcorp Genetics (formerly Invitae), Labcorp
Classification: Benign for Idiopathic generalized epilepsy; Hyperaldosteronism, familial, type IV. Last evaluated: 2025-04-10. Review status: criteria provided, single submitter. Criteria: Invitae Variant Classification Sherloc (09022015). Collection method: clinical testing. Allele origin: germline.

Fulgent Genetics
Classification: Uncertain significance for Epilepsy, childhood absence, susceptibility to, 6; Hyperaldosteronism, familial, type IV. Last evaluated: 2023-12-27. Review status: criteria provided, single submitter. Criteria: ACMG Guidelines, 2015. Collection method: clinical testing. Allele origin: germline.

Blueprint Genetics
Classification: Uncertain significance. Last evaluated: 2023-05-02. Review status: criteria provided, single submitter. Criteria: ACMG Guidelines, 2015. Collection method: clinical testing. Allele origin: germline.

PreventionGenetics, part of Exact Sciences
Classification: Uncertain significance for CACNA1H-related condition. Last evaluated: 2024-03-06. Review status: no assertion criteria provided. Collection method: clinical testing. Allele origin: germline. Not counted in ClinVar's aggregate classification.
Comment: The CACNA1H c.4448G>A variant is predicted to result in the amino acid substitution p.Arg1483His. To our knowledge, this variant has not been reported in the literature. This variant is reported in 0.017% of alleles in individuals of Latino descent in gnomAD. At this time, the clinical significance of this variant is uncertain due to the absence of conclusive functional and genetic evidence.